The following is an entry in ClinVar:

ClinVar aggregate classification (germline): Uncertain significance (1 of 4 stars; one submission).

Conditions:
Cornelia de Lange syndrome 5 (CDLS5). Also called: HDAC8-Related Cornelia de Lange Syndrome. Identifiers: Orphanet 199, MedGen C3550903, MONDO:0010471, OMIM 300882.

Allele frequency attached by ClinVar (database versions not stated): gnomAD exomes below 0.00001; ExAC 0.00001; gnomAD 0.00001; TOPMed 0.00001.
gnomAD v4.1: 3 of 1,202,893 alleles (0.00025%); highest among the groups gnomAD compares: Non-Finnish European, 0.00034%; no homozygotes.

Submission:

Labcorp Genetics (formerly Invitae), Labcorp
Classification: Uncertain significance for Cornelia de Lange syndrome 5. Last evaluated: 2024-07-30. Review status: criteria provided, single submitter. Criteria: Invitae Variant Classification Sherloc (09022015). Collection method: clinical testing. Allele origin: germline.
Comment: This sequence change replaces methionine, which is neutral and non-polar, with isoleucine, which is neutral and non-polar, at codon 274 of the HDAC8 protein (p.Met274Ile). This variant is not present in population databases (gnomAD no frequency). This variant has not been reported in the literature in individuals affected with HDAC8-related conditions. ClinVar contains an entry for this variant (Variation ID: 2080789). Advanced modeling of protein sequence and biophysical properties (such as structural, functional, and spatial information, amino acid conservation, physicochemical variation, residue mobility, and thermodynamic stability) performed at Invitae indicates that this missense variant is not expected to disrupt HDAC8 protein function with a negative predictive value of 80%. In summary, the available evidence is currently insufficient to determine the role of this variant in disease. Therefore, it has been classified as a Variant of Uncertain Significance.

NM_018486.3(HDAC8):c.822G>A (p.Met274Ile)

Gene: HDAC8 (histone deacetylase 8; minus strand). Cytogenetic location: Xq13.1.
Variant type: single nucleotide variant.
Coding change: c.822G>A on transcript NM_018486.3 (MANE Select); coding-DNA position 822, G replaced by A.
Protein change: p.Met274Ile; replaces methionine 274 with isoleucine.
Molecular consequence: missense variant. On other transcripts: non-coding transcript variant (1).
Genome position (GRCh38, 1-based): chrX:72,464,647, C>T on the plus strand (G>A on the coding strand, the complement: HDAC8 is on the minus strand). VCF-style: chrX-72464647-C-T. GRCh37 (hg19) VCF-style: chrX-71684497-C-T.
Other names: c.549G>A, p.Met183Ile (NM_001166418.2, NM_001410728.1); c.822G>A, p.Met274Ile (NM_001410725.1, NM_001410729.1); c.744G>A, p.Met248Ile (NM_001410727.1); short protein forms M274I, M183I, M248I.
Identifiers: ClinVar variation 2080789 (VCV002080789.3), dbSNP rs782085368, ClinGen allele CA10450148.
Genomic context (GRCh38, chrX:72,464,647, plus strand): 5'-CCATTGAAGGATGTACTTAAGACACTTGCCAATTCCCACTGGAGTCATGTTAAAGGAGCA[C>T]ATGGGATCCCCAGCTATTGTGTCAGCTCCCAGCTGTAAGACCACTGCTTTGGGATTAAAG-3'
Protein context (NP_060956.1, residues 264-284): LGADTIAGDP[Met274Ile]CSFNMTPVGI